The following is an entry in ClinVar:

NM_000465.4(BARD1):c.551C>A (p.Ser184Tyr)

Gene: BARD1 (BRCA1 associated RING domain 1; minus strand). Cytogenetic location: 2q35.
Variant type: single nucleotide variant.
Coding change: c.551C>A on transcript NM_000465.4 (MANE Select); coding-DNA position 551, C replaced by A.
Protein change: p.Ser184Tyr; replaces serine 184 with tyrosine.
Molecular consequence: missense variant. On other transcripts: non-coding transcript variant (2), intron variant (3).
Genome position (GRCh38, 1-based): chr2:214,781,323, G>T on the plus strand (C>A on the coding strand, the complement: BARD1 is on the minus strand). VCF-style: chr2-214781323-G-T. GRCh37 (hg19) VCF-style: chr2-215646047-G-T.
Other names: c.494C>A, p.Ser165Tyr (NM_001282543.2); c.158+28089C>A (NM_001282548.2); c.215+15738C>A (NM_001282545.2); c.364+10974C>A (NM_001282549.2); short protein forms S165Y, S184Y.
Identifiers: ClinVar variation 3988315 (VCV003988315.1).

ClinVar aggregate classification (germline): Uncertain significance (1 of 4 stars; one submission).

Conditions:
Hereditary cancer-predisposing syndrome. Also called: Tumor predisposition; Hereditary neoplastic syndrome; Neoplastic Syndromes, Hereditary; Hereditary Cancer Syndrome. Identifiers: Orphanet 140162, MedGen C0027672, MeSH D009386, MONDO:0015356.

gnomAD v4.1: 1 of 1,612,848 alleles (0.000062%); highest among the groups gnomAD compares: African/African-American, 0.0013%; no homozygotes.

Submission:

Ambry Genetics
Classification: Uncertain significance for Hereditary cancer-predisposing syndrome. Last evaluated: 2025-03-27. Review status: criteria provided, single submitter. Criteria: Ambry Variant Classification Scheme 2023. Collection method: clinical testing. Allele origin: germline.
Comment: The p.S184Y variant (also known as c.551C>A), located in coding exon 4 of the BARD1 gene, results from a C to A substitution at nucleotide position 551. The serine at codon 184 is replaced by tyrosine, an amino acid with dissimilar properties. This amino acid position is conserved. In addition, the in silico prediction for this alteration is inconclusive. Based on the available evidence, the clinical significance of this variant remains unclear.